The following is an entry in ClinVar:

NM_001267550.2(TTN):c.28594A>G (p.Ile9532Val)

Gene: TTN (titin; minus strand). Cytogenetic location: 2q31.2.
Variant type: single nucleotide variant.
Coding change: c.28594A>G on transcript NM_001267550.2 (MANE Select); coding-DNA position 28594, A replaced by G.
Protein change: p.Ile9532Val; replaces isoleucine 9532 with valine.
Molecular consequence: missense variant. On other transcripts: intron variant (3).
Genome position (GRCh38, 1-based): chr2:178,709,725, T>C on the plus strand (A>G on the coding strand, the complement: TTN is on the minus strand). VCF-style: chr2-178709725-T-C. GRCh37 (hg19) VCF-style: chr2-179574452-T-C.
Other names: c.27643A>G, p.Ile9215Val (NM_001256850.1); c.24862A>G, p.Ile8288Val (NM_133378.4); c.13282+28357A>G (NM_003319.4); c.13858+28357A>G (NM_133437.4); c.13657+28357A>G (NM_133432.3); short protein forms I9532V, I9215V, I8288V.
Identifiers: ClinVar variation 238734 (VCV000238734.16), dbSNP rs770782767, ClinGen allele CA1999563.

ClinVar aggregate classification (germline): Conflicting classifications of pathogenicity. Review status: criteria provided, conflicting classifications (1 of 4 stars). 5 submissions from 5 submitters: Uncertain significance (4); Likely benign (1). Last evaluated 2025-05-01.

Conditions:
TTN-related disorder. Also called: TTN-related disorders; TTN-related condition; TTN-related disease.
Dilated cardiomyopathy 1G (CMD1G). Identifiers: Orphanet 154, MedGen C1858763, MONDO:0011400, OMIM 604145.
Autosomal recessive limb-girdle muscular dystrophy type 2J (LGMDR10). Also called: Limb-girdle muscular dystrophy, type 2J; MUSCULAR DYSTROPHY, LIMB-GIRDLE, AUTOSOMAL RECESSIVE 10. Identifiers: Orphanet 140922, MedGen C1837342, MONDO:0012127, OMIM 608807.
Early-onset myopathy with fatal cardiomyopathy (CMYO5). Also called: Salih Myopathy; CONGENITAL MYOPATHY 5 WITH CARDIOMYOPATHY. Identifiers: Orphanet 289377, MedGen C2673677, MONDO:0012714, OMIM 611705. Disease mechanism: loss of function.
Hypertrophic cardiomyopathy 9. Also called: Familial hypertrophic cardiomyopathy 9. Identifiers: MedGen C1861065, MONDO:0013412, OMIM 613765.
Tibial muscular dystrophy (TMD). Also called: UDD MYOPATHY; Tibial muscular dystrophy, tardive; Udd Distal Myopathy – Tibial Muscular Dystrophy. Identifiers: Orphanet 609, MedGen C1838244, MONDO:0010870, OMIM 600334.
Myopathy, myofibrillar, 9, with early respiratory failure (MFM9). Also called: EDSTROM MYOPATHY; MYOPATHY, PROXIMAL, WITH EARLY RESPIRATORY MUSCLE INVOLVEMENT; Hereditary myopathy with early respiratory failure; Myopathy, distal, with early respiratory failure, autosomal dominant. Identifiers: Orphanet 178464, Orphanet 34521, MedGen C1863599, MONDO:0011362, OMIM 603689.

Allele frequency attached by ClinVar (database versions not stated): ExAC 0.00002; gnomAD 0.00002; gnomAD exomes 0.00002 and 0.00005; TOPMed 0.00004.

Submissions (5):

CeGaT Center for Human Genetics Tuebingen
Classification: Uncertain significance. Last evaluated: 2025-05-01. Review status: criteria provided, single submitter. Criteria: CeGaT Center For Human Genetics Tuebingen Variant Classification Criteria Version 2. Collection method: clinical testing. Allele origin: germline. Affected: yes. Observed: 1 variant allele.
Comment: TTN: PM2, BP4

PreventionGenetics, part of Exact Sciences
Classification: Uncertain significance for TTN-related condition. Last evaluated: 2025-03-11. Review status: criteria provided, single submitter. Criteria: ACMG Guidelines, 2015. Collection method: clinical testing. Allele origin: germline.
Comment: The TTN c.28594A>G variant is predicted to result in the amino acid substitution p.Ile9532Val. To our knowledge, this variant has not been reported in the literature. This variant is reported in 0.0055% of alleles in individuals of European (Non-Finnish) descent in gnomAD. At this time, the clinical significance of this variant is uncertain due to the absence of conclusive functional and genetic evidence.

Fulgent Genetics
Classification: Uncertain significance for Tibial muscular dystrophy; Myopathy, myofibrillar, 9, with early respiratory failure; Dilated cardiomyopathy 1G; Autosomal recessive limb-girdle muscular dystrophy type 2J; Early-onset myopathy with fatal cardiomyopathy; Hypertrophic cardiomyopathy 9. Last evaluated: 2021-11-08. Review status: criteria provided, single submitter. Criteria: ACMG Guidelines, 2015. Collection method: clinical testing. Allele origin: unknown.

Blueprint Genetics
Classification: Likely benign. Last evaluated: 2020-10-07. Review status: criteria provided, single submitter. Criteria: ACMG Guidelines, 2015. Collection method: clinical testing. Allele origin: germline.

Labcorp Genetics (formerly Invitae), Labcorp
Classification: Uncertain significance for Dilated cardiomyopathy 1G; Autosomal recessive limb-girdle muscular dystrophy type 2J. Last evaluated: 2016-02-24. Review status: criteria provided, single submitter. Criteria: Invitae Variant Classification Sherloc (09022015). Collection method: clinical testing. Allele origin: germline.